The following is an entry in ClinVar:

NM_017617.5(NOTCH1):c.5281del (p.Arg1761fs)

Gene: NOTCH1 (notch receptor 1; minus strand). Cytogenetic location: 9q34.3.
Variant type: Deletion.
Coding change: c.5281del on transcript NM_017617.5 (MANE Select); coding-DNA position 5281, one base deleted (C; older notation c.5281delC).
Protein change: p.Arg1761fs; shifts the reading frame from arginine 1761.
Molecular consequence: frameshift variant.
Genome position (GRCh38, 1-based): chr9:136,502,375, G deleted on the plus strand (C on the coding strand, the reverse complement: NOTCH1 is on the minus strand); the first of 2 consecutive G bases (chr9:136,502,375-136,502,376); deleting either gives the same sequence. VCF-style (leftmost placement, unchanged base first): chr9-136502374-CG-C. GRCh37 (hg19) VCF-style: chr9-139396826-CG-C.
Other names: c.5281del, p.Arg1761fs (LRG_1122t1); short protein forms R1761fs.
Identifiers: ClinVar variation 139666 (VCV000139666.2), dbSNP rs515726231, ClinGen allele CA163412.
Genomic context (GRCh38, chr9:136,502,374, plus strand): 5'-TTCTTGCTGGCCTCAGACACTTTGAAGCCCTCAGGGAACCAGAGCTGGCCATGCTGCCGC[CG>C]GCGCTTGCGGGACAGCAGCACCCCGCAGCCCACGAAGAACAGAAGCACAAAGGCGGCCGC-3'

ClinVar aggregate classification (germline): Likely pathogenic (0 of 4 stars; one submission).

Conditions:
Abnormal heart morphology. Also called: Heart, malformation of; Abnormality of cardiac morphology. Identifiers: MedGen C0018798, MeSH D006330, HP:0001627.

Submission:

Laboratory for Genetics of Human Development Center for Human Genetics, Catholic University of Leuven
Classification: Likely pathogenic. Review status: no assertion criteria provided. Collection method: not provided. Allele origin: germline, inherited.
ClinVar note: Converted during submission from probable-pathogenic to Likely pathogenic.